The following is an entry in ClinVar:

ClinVar aggregate classification (germline): Pathogenic (1 of 4 stars; one submission).

Conditions:
Duchenne muscular dystrophy (DMD). Also called: Duchenne Muscular Dystrophy (DMD); MUSCULAR DYSTROPHY, PSEUDOHYPERTROPHIC PROGRESSIVE, DUCHENNE TYPE. Identifiers: Orphanet 98896, MedGen C0013264, MONDO:0010679, OMIM 310200.

Submission:

Labcorp Genetics (formerly Invitae), Labcorp
Classification: Pathogenic for Duchenne muscular dystrophy. Last evaluated: 2021-09-08. Review status: criteria provided, single submitter. Criteria: Invitae Variant Classification Sherloc (09022015). Collection method: clinical testing. Allele origin: germline.
Comment: This sequence change creates a premature translational stop signal (p.Glu1543*) in the DMD gene. It is expected to result in an absent or disrupted protein product. Loss-of-function variants in DMD are known to be pathogenic (PMID: 16770791, 25007885). This variant is not present in population databases (ExAC no frequency). This variant has not been reported in the literature in individuals affected with DMD-related conditions. For these reasons, this variant has been classified as Pathogenic.

Literature cited by the submitters: PubMed 16770791; PubMed 25007885.

NM_004006.3(DMD):c.4627G>T (p.Glu1543Ter)

Gene: DMD (dystrophin; minus strand). Cytogenetic location: Xp21.1.
Variant type: single nucleotide variant.
Coding change: c.4627G>T on transcript NM_004006.3 (MANE Select); coding-DNA position 4627, G replaced by T.
Protein change: p.Glu1543Ter; replaces glutamic acid 1543 with a stop codon.
Molecular consequence: nonsense.
Genome position (GRCh38, 1-based): chrX:32,386,357, C>A on the plus strand (G>T on the coding strand, the complement: DMD is on the minus strand). VCF-style: chrX-32386357-C-A. GRCh37 (hg19) VCF-style: chrX-32404474-C-A.
Other names: c.4603G>T, p.Glu1535Ter (NM_000109.4); c.4615G>T, p.Glu1539Ter (NM_004009.3); c.4258G>T, p.Glu1420Ter (NM_004010.3); c.604G>T, p.Glu202Ter (NM_004011.4); c.595G>T, p.Glu199Ter (NM_004012.4); short protein forms E1539*, E202*, E1420*, E1535*, E1543*, E199*.
Identifiers: ClinVar variation 1458696 (VCV001458696.7), dbSNP rs2147558029, ClinGen allele CA412662568.